The following is an entry in ClinVar:

NM_001034853.2(RPGR):c.107T>C (p.Val36Ala)

Gene: RPGR (retinitis pigmentosa GTPase regulator; minus strand). Cytogenetic location: Xp11.4.
Variant type: single nucleotide variant.
Coding change: c.107T>C on transcript NM_001034853.2 (MANE Select); coding-DNA position 107, T replaced by C.
Protein change: p.Val36Ala; replaces valine 36 with alanine.
Molecular consequence: missense variant. On other transcripts: non-coding transcript variant (6).
Genome position (GRCh38, 1-based): chrX:38,323,446, A>G on the plus strand (T>C on the coding strand, the complement: RPGR is on the minus strand). VCF-style: chrX-38323446-A-G. GRCh37 (hg19) VCF-style: chrX-38182699-A-G.
Other names: c.107T>C, p.Val36Ala (NM_001367245.1, NM_001367246.1, NM_001367247.1 and 4 more transcripts); c.137T>C, p.Val46Ala (NM_001367248.1); short protein forms V36A, V46A.
Identifiers: ClinVar variation 2747414 (VCV002747414.3), dbSNP rs2519912230, ClinGen allele CA412745852.

ClinVar aggregate classification (germline): Uncertain significance (1 of 4 stars; one submission).

Conditions:
Primary ciliary dyskinesia. Also called: Ciliary dyskinesia. Identifiers: Orphanet 244, MedGen C0008780, MONDO:0016575, HP:0012265.

Submission:

Labcorp Genetics (formerly Invitae), Labcorp
Classification: Uncertain significance for Primary ciliary dyskinesia. Last evaluated: 2024-01-02. Review status: criteria provided, single submitter. Criteria: Invitae Variant Classification Sherloc (09022015). Collection method: clinical testing. Allele origin: germline.
Comment: This sequence change replaces valine, which is neutral and non-polar, with alanine, which is neutral and non-polar, at codon 36 of the RPGR protein (p.Val36Ala). This variant is not present in population databases (gnomAD no frequency). This variant has not been reported in the literature in individuals affected with RPGR-related conditions. Advanced modeling of protein sequence and biophysical properties (such as structural, functional, and spatial information, amino acid conservation, physicochemical variation, residue mobility, and thermodynamic stability) performed at Invitae indicates that this missense variant is not expected to disrupt RPGR protein function with a negative predictive value of 95%. In summary, the available evidence is currently insufficient to determine the role of this variant in disease. Therefore, it has been classified as a Variant of Uncertain Significance.